The following is an entry in ClinVar:

NM_001061.7(TBXAS1):c.614_615del (p.Pro205fs)

Gene: TBXAS1 (thromboxane A synthase 1; plus strand). Cytogenetic location: 7q34.
Variant type: Deletion.
Coding change: c.614_615del on transcript NM_001061.7 (MANE Select); coding-DNA positions 614 to 615, 2 bases deleted (CT; older notation c.614_615delCT).
Protein change: p.Pro205fs; shifts the reading frame from proline 205.
Molecular consequence: frameshift variant.
Genome position (GRCh38, 1-based): chr7:139,955,533-139,955,534, CT deleted. VCF-style (leftmost placement, unchanged base first): chr7-139955532-CCT-C. GRCh37 (hg19) VCF-style: chr7-139655331-CCT-C.
Other names: c.614_615del, p.Pro205fs (NM_001130966.5, NM_030984.6); c.752_753del, p.Pro251fs (NM_001166253.4); c.413_414del, p.Pro138fs (NM_001166254.4); c.557_558del, p.Pro186fs (NM_001314028.4); c.431_432del, p.Pro144fs (NM_001366537.3); short protein forms P144fs, P205fs, P138fs, P186fs, P251fs.
Identifiers: ClinVar variation 1930061 (VCV001930061.5), dbSNP rs766421283, ClinGen allele CA4511734.
Genomic context (GRCh38, chr7:139,955,532, plus strand): 5'-TACACCACAGATGTGGTTGCCAGCGTCGCCTTTGGCACCCCGGTGGACTCCTGGCAGGCC[CCT>C]GAGGATCCCTTTGTGAAACACTGCAAGCGTTTCTTCGAATTCTGCATCCCCAGACCTATC-3'

ClinVar aggregate classification (germline): Pathogenic (1 of 4 stars; one submission).

Allele frequency attached by ClinVar (database versions not stated): gnomAD exomes below 0.00001; TOPMed below 0.00001; ExAC 0.00001; gnomAD 0.00001; ESP Exome Variant Server 0.00008.

Submission:

Labcorp Genetics (formerly Invitae), Labcorp
Classification: Pathogenic. Last evaluated: 2024-01-24. Review status: criteria provided, single submitter. Criteria: Invitae Variant Classification Sherloc (09022015). Collection method: clinical testing. Allele origin: germline.
Comment: This sequence change creates a premature translational stop signal (p.Pro206Argfs*41) in the TBXAS1 gene. It is expected to result in an absent or disrupted protein product. Loss-of-function variants in TBXAS1 are known to be pathogenic (PMID: 22735388). This variant is present in population databases (rs766421283, gnomAD 0.004%). This variant has not been reported in the literature in individuals affected with TBXAS1-related conditions. ClinVar contains an entry for this variant (Variation ID: 1930061). For these reasons, this variant has been classified as Pathogenic.

Literature cited by the submitters: PubMed 22735388.